The following is an entry in ClinVar:

ClinVar aggregate classification (germline): Conflicting classifications of pathogenicity. Review status: criteria provided, conflicting classifications (1 of 4 stars). 5 submissions from 5 submitters: Uncertain significance (4); Likely benign (1). Last evaluated 2025-08-29.

Conditions:
Congenital muscular dystrophy due to integrin alpha-7 deficiency. Also called: Congenital muscular dystrophy with integrin alpha-7 deficiency; MYOPATHY, CONGENITAL, DUE TO INTEGRIN ALPHA-7 DEFICIENCY; Muscular dystrophy, congenital, due to ITGA7 deficiency. Identifiers: Orphanet 34520, MedGen C2750786, MONDO:0013177, OMIM 613204.

Allele frequency attached by ClinVar (database versions not stated): gnomAD exomes 0.00014; ExAC 0.00021; 1000 Genomes Project 30x 0.00031; 1000 Genomes Project 0.00040; gnomAD 0.00044; TOPMed 0.00057; ESP Exome Variant Server 0.00077.

Submissions (5):

Ambry Genetics
Classification: Uncertain significance. Last evaluated: 2025-08-29. Review status: criteria provided, single submitter. Criteria: Ambry Variant Classification Scheme 2023. Collection method: clinical testing. Allele origin: germline.

Revvity Omics, Revvity
Classification: Likely benign for Congenital muscular dystrophy due to integrin alpha-7 deficiency. Last evaluated: 2025-03-18. Review status: criteria provided, single submitter. Criteria: ACMG Guidelines, 2015. Collection method: clinical testing. Allele origin: germline.

GeneDx
Classification: Uncertain significance. Last evaluated: 2024-11-08. Review status: criteria provided, single submitter. Criteria: GeneDx Variant Classification Process June 2021. Collection method: clinical testing. Allele origin: germline. Affected: yes.
Comment: In silico analysis supports that this missense variant has a deleterious effect on protein structure/function; Has not been previously published as pathogenic or benign to our knowledge

Labcorp Genetics (formerly Invitae), Labcorp
Classification: Uncertain significance for Congenital muscular dystrophy due to integrin alpha-7 deficiency. Last evaluated: 2022-07-18. Review status: criteria provided, single submitter. Criteria: Invitae Variant Classification Sherloc (09022015). Collection method: clinical testing. Allele origin: germline.
Comment: This sequence change replaces proline, which is neutral and non-polar, with leucine, which is neutral and non-polar, at codon 95 of the ITGA7 protein (p.Pro95Leu). This variant is present in population databases (rs143749139, gnomAD 0.1%). This variant has not been reported in the literature in individuals affected with ITGA7-related conditions. ClinVar contains an entry for this variant (Variation ID: 499560). Algorithms developed to predict the effect of missense changes on protein structure and function are either unavailable or do not agree on the potential impact of this missense change (SIFT: "Deleterious"; PolyPhen-2: "Probably Damaging"; Align-GVGD: "Class C0"). In summary, the available evidence is currently insufficient to determine the role of this variant in disease. Therefore, it has been classified as a Variant of Uncertain Significance.

Eurofins Ntd Llc (ga)
Classification: Uncertain significance. Last evaluated: 2018-04-30. Review status: criteria provided, single submitter. Criteria: EGL ClinVar v180209 classification definitions. Collection method: clinical testing. Allele origin: germline. Observed: 1 variant allele, 1 heterozygote.

NM_002206.3(ITGA7):c.284C>T (p.Pro95Leu)

Gene: ITGA7 (integrin subunit alpha 7; minus strand). Cytogenetic location: 12q13.2.
Variant type: single nucleotide variant.
Coding change: c.284C>T on transcript NM_002206.3 (MANE Select); coding-DNA position 284, C replaced by T.
Protein change: p.Pro95Leu; replaces proline 95 with leucine.
Molecular consequence: missense variant. On other transcripts: 5 prime UTR variant (3), intron variant (1).
Genome position (GRCh38, 1-based): chr12:55,703,101, G>A on the plus strand (C>T on the coding strand, the complement: ITGA7 is on the minus strand). VCF-style: chr12-55703101-G-A. GRCh37 (hg19) VCF-style: chr12-56096885-G-A.
Other names: c.284C>T, p.Pro95Leu (NM_001144996.2, NM_001374465.1, NM_001410977.1 and 6 more transcripts); c.-56C>T (NM_001367993.1, NM_001414035.1); c.-889C>T (NM_001367994.1); c.86-1685C>T (NM_001144997.2); short protein forms P95L.
Identifiers: ClinVar variation 499560 (VCV000499560.21), dbSNP rs143749139, ClinGen allele CA6616402.